The following is an entry in ClinVar:

ClinVar aggregate classification (germline): Uncertain significance (1 of 4 stars; one submission).

Conditions:
Rhabdoid tumor predisposition syndrome 2 (RTPS2). Identifiers: Orphanet 231108, Orphanet 69077, MedGen C2750074, MONDO:0013224, OMIM 613325.

Submission:

Labcorp Genetics (formerly Invitae), Labcorp
Classification: Uncertain significance for Rhabdoid tumor predisposition syndrome 2. Last evaluated: 2023-05-31. Review status: criteria provided, single submitter. Criteria: Invitae Variant Classification Sherloc (09022015). Collection method: clinical testing. Allele origin: germline.
Comment: This sequence change replaces isoleucine, which is neutral and non-polar, with asparagine, which is neutral and polar, at codon 355 of the SMARCA4 protein (p.Ile355Asn). This variant is not present in population databases (gnomAD no frequency). In summary, the available evidence is currently insufficient to determine the role of this variant in disease. Therefore, it has been classified as a Variant of Uncertain Significance. Advanced modeling of protein sequence and biophysical properties (such as structural, functional, and spatial information, amino acid conservation, physicochemical variation, residue mobility, and thermodynamic stability) has been performed at Invitae for this missense variant, however the output from this modeling did not meet the statistical confidence thresholds required to predict the impact of this variant on SMARCA4 protein function. This variant has not been reported in the literature in individuals affected with SMARCA4-related conditions.

NM_003072.5(SMARCA4):c.1064T>A (p.Ile355Asn)

Gene: SMARCA4 (SWI/SNF related BAF chromatin remodeling complex subunit ATPase 4; plus strand). Cytogenetic location: 19p13.2.
Variant type: single nucleotide variant.
Coding change: c.1064T>A on transcript NM_003072.5 (MANE Select); coding-DNA position 1064, T replaced by A.
Protein change: p.Ile355Asn; replaces isoleucine 355 with asparagine.
Molecular consequence: missense variant. On other transcripts: non-coding transcript variant (1).
Genome position (GRCh38, 1-based): chr19:10,987,870, T>A. VCF-style: chr19-10987870-T-A. GRCh37 (hg19) VCF-style: chr19-11098546-T-A.
Other names: c.1064T>A, p.Ile355Asn (NM_001128844.3, NM_001128845.2, NM_001128846.2 and 6 more transcripts); short protein forms I355N.
Identifiers: ClinVar variation 2752928 (VCV002752928.3), dbSNP rs2514048955, ClinGen allele CA404058748.